The following is an entry in ClinVar:

NM_138927.4(SON):c.3466A>G (p.Thr1156Ala)

Gene: SON (SON DNA and RNA binding protein; plus strand). Cytogenetic location: 21q22.11.
Variant type: single nucleotide variant.
Coding change: c.3466A>G on transcript NM_138927.4 (MANE Select); coding-DNA position 3466, A replaced by G.
Protein change: p.Thr1156Ala; replaces threonine 1156 with alanine.
Molecular consequence: missense variant. On other transcripts: non-coding transcript variant (1), intron variant (1).
Genome position (GRCh38, 1-based): chr21:33,552,697, A>G. VCF-style: chr21-33552697-A-G. GRCh37 (hg19) VCF-style: chr21-34925003-A-G.
Other names: c.3466A>G, p.Thr1156Ala (NM_001291411.2, NM_001412133.1, NM_032195.3 and 2 more transcripts); c.245-4459A>G (NM_001291412.3); short protein forms T1156A.
Identifiers: ClinVar variation 2154683 (VCV002154683.4), dbSNP rs764141792, ClinGen allele CA10009298.

ClinVar aggregate classification (germline): Uncertain significance (1 of 4 stars; one submission).

Allele frequency attached by ClinVar (database versions not stated): ExAC 0.00001; gnomAD 0.00001; gnomAD exomes 0.00001; TOPMed 0.00002.
gnomAD v4.1: 11 of 1,613,916 alleles (0.00068%); highest among the groups gnomAD compares: African/African-American, 0.0053%; no homozygotes.

Submission:

Labcorp Genetics (formerly Invitae), Labcorp
Classification: Uncertain significance. Last evaluated: 2024-04-02. Review status: criteria provided, single submitter. Criteria: Invitae Variant Classification Sherloc (09022015). Collection method: clinical testing. Allele origin: germline.
Comment: This sequence change replaces threonine, which is neutral and polar, with alanine, which is neutral and non-polar, at codon 1156 of the SON protein (p.Thr1156Ala). This variant is present in population databases (rs764141792, gnomAD 0.0009%). This variant has not been reported in the literature in individuals affected with SON-related conditions. ClinVar contains an entry for this variant (Variation ID: 2154683). An algorithm developed to predict the effect of missense changes on protein structure and function (PolyPhen-2) suggests that this variant is likely to be disruptive. In summary, the available evidence is currently insufficient to determine the role of this variant in disease. Therefore, it has been classified as a Variant of Uncertain Significance.